The following is an entry in ClinVar:

NM_000521.4(HEXB):c.772-1G>C

Gene: HEXB (hexosaminidase subunit beta; plus strand). Cytogenetic location: 5q13.3.
Variant type: single nucleotide variant.
Coding change: c.772-1G>C on transcript NM_000521.4 (MANE Select); the canonical splice acceptor site of the intron before coding-DNA position 772, G replaced by C.
Molecular consequence: splice acceptor variant.
Genome position (GRCh38, 1-based): chr5:74,713,505, G>C. VCF-style: chr5-74713505-G-C. GRCh37 (hg19) VCF-style: chr5-74009330-G-C.
Other names: c.97-1G>C (NM_001292004.2).
Identifiers: ClinVar variation 4814295 (VCV004814295.1).

ClinVar aggregate classification (germline): Likely pathogenic (1 of 4 stars; one submission).

Conditions:
Sandhoff disease. Also called: GM2-GANGLIOSIDOSIS, TYPE II; HEXOSAMINIDASES A AND B DEFICIENCY; Beta-hexosaminidase-beta-subunit deficiency; GM2 gangliosidosis, type 2; Total hexosaminidase deficiency; Sandhoff-Jatzkewitz-Pilz disease. Identifiers: Orphanet 796, MedGen C0036161, MONDO:0010006, OMIM 268800.

Submission:

Natera, Inc.
Classification: Likely pathogenic for Sandhoff disease. Last evaluated: 2025-07-22. Review status: criteria provided, single submitter. Criteria: Natera Variant Classification Schema (03/2026). Collection method: clinical testing. Allele origin: germline.
Comment: The c.772-1G>C variant in HEXB is a canonical splice acceptor site variant predicted to affect pre-mRNA splicing, which may result in an abnormal transcript and altered protein product. This variant is expected to result in nonsense mediated decay, truncation, or a dysfunctional protein product. This variant is rare in the general population with a frequency below the threshold expected for the associated phenotype(s). Given the available evidence, this variant is classified as Likely Pathogenic.